The following is an entry in ClinVar:

ClinVar aggregate classification (germline): Uncertain significance (1 of 4 stars; one submission).

Conditions:
Early-onset Lafora body disease. Also called: Epilepsy, progressive myoclonic, 10. Identifiers: Orphanet 324290, MedGen C4225258, MONDO:0014717, OMIM 616640.

Submission:

Labcorp Genetics (formerly Invitae), Labcorp
Classification: Uncertain significance for Early-onset Lafora body disease. Last evaluated: 2021-02-03. Review status: criteria provided, single submitter. Criteria: Invitae Variant Classification Sherloc (09022015). Collection method: clinical testing. Allele origin: germline.
Comment: This variant is not present in population databases (ExAC no frequency). In summary, the available evidence is currently insufficient to determine the role of this variant in disease. Therefore, it has been classified as a Variant of Uncertain Significance. Algorithms developed to predict the effect of missense changes on protein structure and function are either unavailable or do not agree on the potential impact of this missense change (SIFT: "Deleterious"; PolyPhen-2: "Benign"; Align-GVGD: "Class C0"). This variant has not been reported in the literature in individuals with PRDM8-related conditions. This sequence change replaces serine with alanine at codon 633 of the PRDM8 protein (p.Ser633Ala). The serine residue is highly conserved and there is a moderate physicochemical difference between serine and alanine.

NM_001099403.2(PRDM8):c.1897T>G (p.Ser633Ala)

Gene: PRDM8 (PR/SET domain 8; plus strand). Cytogenetic location: 4q21.21.
Variant type: single nucleotide variant.
Coding change: c.1897T>G on transcript NM_001099403.2 (MANE Select); coding-DNA position 1897, T replaced by G.
Protein change: p.Ser633Ala; replaces serine 633 with alanine.
Molecular consequence: missense variant.
Genome position (GRCh38, 1-based): chr4:80,203,359, T>G. VCF-style: chr4-80203359-T-G. GRCh37 (hg19) VCF-style: chr4-81124513-T-G.
Other names: c.1897T>G, p.Ser633Ala (NM_020226.4); short protein forms S633A.
Identifiers: ClinVar variation 1397760 (VCV001397760.8), dbSNP rs2109880734, ClinGen allele CA357403247.